The following is an entry in ClinVar:

NM_014244.5(ADAMTS2):c.2017A>G (p.Met673Val)

Gene: ADAMTS2 (ADAM metallopeptidase with thrombospondin type 1 motif 2; minus strand). Cytogenetic location: 5q35.3.
Variant type: single nucleotide variant.
Coding change: c.2017A>G on transcript NM_014244.5 (MANE Select); coding-DNA position 2017, A replaced by G.
Protein change: p.Met673Val; replaces methionine 673 with valine.
Molecular consequence: missense variant.
Genome position (GRCh38, 1-based): chr5:179,135,977, T>C on the plus strand (A>G on the coding strand, the complement: ADAMTS2 is on the minus strand). VCF-style: chr5-179135977-T-C. GRCh37 (hg19) VCF-style: chr5-178562978-T-C.
Other names: short protein forms M673V.
Identifiers: ClinVar variation 2195316 (VCV002195316.3), dbSNP rs1763061142, ClinGen allele CA362425762.
Genomic context (GRCh38, chr5:179,135,977, plus strand): 5'-CCCCGCGCACACAGAGGCTGAAGGCGTCCTTGTAGGAGCAGCGCGTCCCGTCATGCACCA[T>C]GCGCTTCATGGACACCACCTCCCCGGTCTCCCTGGACTCGCAGTACAGGTGGCATCTCTC-3'
Protein context (NP_055059.2, residues 663-683): ETGEVVSMKR[Met673Val]VHDGTRCSYK

ClinVar aggregate classification (germline): Uncertain significance (1 of 4 stars; one submission).

Conditions:
Ehlers-Danlos syndrome, dermatosparaxis type. Also called: EDS VIIC; Dermatosparaxis; Ehlers-Danlos syndrome, type VII, autosomal recessive. Identifiers: Orphanet 1901, MedGen C2700425, MONDO:0009161, OMIM 225410.

Allele frequency attached by ClinVar (database versions not stated): gnomAD exomes below 0.00001.
gnomAD v4.1: 7 of 1,613,412 alleles (0.00043%); highest among the groups gnomAD compares: South Asian, 0.0011%; no homozygotes.

Submission:

Labcorp Genetics (formerly Invitae), Labcorp
Classification: Uncertain significance for Ehlers-Danlos syndrome, dermatosparaxis type. Last evaluated: 2024-10-07. Review status: criteria provided, single submitter. Criteria: Invitae Variant Classification Sherloc (09022015). Collection method: clinical testing. Allele origin: germline.
Comment: This sequence change replaces methionine, which is neutral and non-polar, with valine, which is neutral and non-polar, at codon 673 of the ADAMTS2 protein (p.Met673Val). This variant is not present in population databases (gnomAD no frequency). This variant has not been reported in the literature in individuals affected with ADAMTS2-related conditions. ClinVar contains an entry for this variant (Variation ID: 2195316). An algorithm developed to predict the effect of missense changes on protein structure and function (PolyPhen-2) suggests that this variant is likely to be tolerated. In summary, the available evidence is currently insufficient to determine the role of this variant in disease. Therefore, it has been classified as a Variant of Uncertain Significance.